The following is an entry in ClinVar:

NM_002519.3(NPAT):c.1919C>A (p.Ala640Glu)

Gene: NPAT (nuclear protein, coactivator of histone transcription; minus strand). Cytogenetic location: 11q22.3.
Variant type: single nucleotide variant.
Coding change: c.1919C>A on transcript NM_002519.3 (MANE Select); coding-DNA position 1919, C replaced by A.
Protein change: p.Ala640Glu; replaces alanine 640 with glutamic acid.
Molecular consequence: missense variant.
Genome position (GRCh38, 1-based): chr11:108,173,065, G>T on the plus strand (C>A on the coding strand, the complement: NPAT is on the minus strand). VCF-style: chr11-108173065-G-T. GRCh37 (hg19) VCF-style: chr11-108043792-G-T.
Other names: c.1919C>A, p.Ala640Glu (NM_001321307.1); short protein forms A640E.
Identifiers: ClinVar variation 3222499 (VCV003222499.1), dbSNP rs2496719407, ClinGen allele CA382514075.

ClinVar aggregate classification (germline): Uncertain significance (1 of 4 stars; one submission).

Allele frequency attached by ClinVar (database versions not stated): gnomAD exomes 0.00001.
gnomAD v4.1: 4 of 1,614,012 alleles (0.00025%); highest among the groups gnomAD compares: South Asian, 0.0044%; no homozygotes.

Submission:

Ambry Genetics
Classification: Uncertain significance. Last evaluated: 2024-01-26. Review status: criteria provided, single submitter. Criteria: Ambry Variant Classification Scheme 2023. Collection method: clinical testing. Allele origin: germline.
Comment: The p.A640E variant (also known as c.1919C>A), located in coding exon 13 of the NPAT gene, results from a C to A substitution at nucleotide position 1919. The alanine at codon 640 is replaced by glutamic acid, an amino acid with dissimilar properties. This amino acid position is conserved. In addition, this alteration is predicted to be tolerated by in silico analysis. Based on the available evidence, the clinical significance of this alteration remains unclear.